The following is an entry in ClinVar:

NM_015192.4(PLCB1):c.924A>G (p.Ser308=)

Gene: PLCB1 (phospholipase C beta 1; plus strand). Cytogenetic location: 20p12.3.
Variant type: single nucleotide variant.
Coding change: c.924A>G on transcript NM_015192.4 (MANE Select); coding-DNA position 924, A replaced by G.
Protein change: p.Ser308=; no amino-acid change (serine 308 retained).
Molecular consequence: synonymous variant.
Genome position (GRCh38, 1-based): chr20:8,684,993, A>G. VCF-style: chr20-8684993-A-G. GRCh37 (hg19) VCF-style: chr20-8665640-A-G.
Other names: p.Ser308=; c.924A>G, p.Ser308= (NM_182734.3).
Identifiers: ClinVar variation 129916 (VCV000129916.31), dbSNP rs6056003, ClinGen allele CA154295.

ClinVar aggregate classification (germline): Benign/Likely benign. Review status: criteria provided, multiple submitters, no conflicts (2 of 4 stars). 9 submissions from 9 submitters: Benign (6); Likely benign (3). Last evaluated 2026-01-31.

Conditions:
Inborn genetic diseases. Identifiers: MedGen C0950123, MeSH D030342.
Developmental and epileptic encephalopathy, 12 (DEE12). Identifiers: MedGen C3150988, MONDO:0013389, OMIM 613722.

Allele frequency attached by ClinVar (database versions not stated): gnomAD exomes 0.00141 and 0.00348; ExAC 0.00429; 1000 Genomes Project 0.01258; 1000 Genomes Project 30x 0.01390; gnomAD 0.01390 and 0.01487; TOPMed 0.01561; ESP Exome Variant Server 0.01615.
gnomAD v4.1: 4,258 of 1,613,464 alleles (0.26%); highest among the groups gnomAD compares: African/African-American, 4.8%; 83 homozygotes.

Submissions (9):

Labcorp Genetics (formerly Invitae), Labcorp
Classification: Benign for Developmental and epileptic encephalopathy, 12. Last evaluated: 2026-01-31. Review status: criteria provided, single submitter. Criteria: Invitae Variant Classification Sherloc (09022015). Collection method: clinical testing. Allele origin: germline.

GeneDx
Classification: Likely benign. Last evaluated: 2021-12-07. Review status: criteria provided, single submitter. Criteria: GeneDx Variant Classification Process June 2021. Collection method: clinical testing. Allele origin: germline. Affected: yes.

Athena Diagnostics
Classification: Benign. Last evaluated: 2019-06-12. Review status: criteria provided, single submitter. Criteria: Athena Diagnostics Criteria. Collection method: clinical testing. Allele origin: germline.

Mayo Clinic Laboratories, Mayo Clinic
Classification: Benign. Last evaluated: 2019-02-26. Review status: criteria provided, single submitter. Criteria: ACMG Guidelines, 2015. Collection method: clinical testing. Allele origin: germline. Observed: 6 variant alleles.

Illumina Laboratory Services, Illumina
Classification: Likely benign for Developmental and epileptic encephalopathy, 12. Last evaluated: 2017-04-27. Review status: criteria provided, single submitter. Criteria: ICSL Variant Classification Criteria 13 December 2019. Collection method: clinical testing. Allele origin: germline.
Comment: This variant was observed as part of a predisposition screen in an ostensibly healthy population. A literature search was performed for the gene, cDNA change, and amino acid change (where applicable). No publications were found based on this search. Allele frequency data from public databases allowed determination this variant is unlikely to cause disease. Therefore, this variant is classified as likely benign.

Ambry Genetics
Classification: Benign for Inborn genetic diseases. Last evaluated: 2016-04-18. Review status: criteria provided, single submitter. Criteria: Ambry Variant Classification Scheme 2023. Collection method: clinical testing. Allele origin: germline.

Genetic Services Laboratory, University of Chicago
Classification: Benign for AllHighlyPenetrant. Last evaluated: 2013-04-30. Review status: criteria provided, single submitter. Criteria: ACMG Guidelines, 2007. Collection method: clinical testing. Allele origin: germline. Inheritance: Autosomal recessive inheritance.

Breakthrough Genomics
Classification: Likely benign. Review status: criteria provided, single submitter. Criteria: ACMG Guidelines, 2015. Collection method: not provided. Allele origin: germline. Inheritance: Autosomal recessive inheritance. Affected: yes.

PreventionGenetics, part of Exact Sciences
Classification: Benign. Review status: criteria provided, single submitter. Criteria: ACMG Guidelines, 2015. Collection method: clinical testing. Allele origin: germline.